The following is an entry in ClinVar:

ClinVar aggregate classification (germline): Uncertain significance (1 of 4 stars; one submission).

Conditions:
Adenylosuccinate lyase deficiency (ADSLD). Also called: ADSL DEFICIENCY. Identifiers: Orphanet 46, MedGen C0268126, MONDO:0007068, OMIM 103050.

Allele frequency attached by ClinVar (database versions not stated): 1000 Genomes Project 30x 0.00031.

Submission:

Labcorp Genetics (formerly Invitae), Labcorp
Classification: Uncertain significance for Adenylosuccinate lyase deficiency. Last evaluated: 2022-07-25. Review status: criteria provided, single submitter. Criteria: Invitae Variant Classification Sherloc (09022015). Collection method: clinical testing. Allele origin: germline.
Comment: This variant occurs in a non-coding region of the ADSL gene. It does not change the encoded amino acid sequence of the ADSL protein. This variant is present in population databases (rs190560535, gnomAD 0.01%). This variant has not been reported in the literature in individuals affected with ADSL-related conditions. Experimental studies and prediction algorithms are not available or were not evaluated, and the functional significance of this variant is currently unknown. In summary, the available evidence is currently insufficient to determine the role of this variant in disease. Therefore, it has been classified as a Variant of Uncertain Significance.

NC_000022.11:g.40346432C>A

Gene: ADSL (adenylosuccinate lyase; plus strand). Cytogenetic location: 22q13.1.
Variant type: single nucleotide variant.
Genome position: GRCh38 VCF-style: chr22-40346432-C-A. GRCh37 (hg19) VCF-style: chr22-40742436-C-A.
Identifiers: ClinVar variation 1519445 (VCV001519445.3), dbSNP rs190560535, ClinGen allele CA324446904.
Genomic context (GRCh38, chr22:40,346,432, plus strand): 5'-AACCAAGTCAATTCTCAGGCAGAAGCAGCGGAGATTCTCCGCAGCCGGCAGCGCCCAGGG[C>A]GCCCGGAACCCAGAGAGCGAGACCGCGTGAAGGAAGTCCCGCCCCGCCCCGTCCTGCCCT-3'